The following is an entry in ClinVar:

NM_001376.5(DYNC1H1):c.13763C>T (p.Thr4588Met)

Gene: DYNC1H1 (dynein cytoplasmic 1 heavy chain 1; plus strand). Cytogenetic location: 14q32.31.
Variant type: single nucleotide variant.
Coding change: c.13763C>T on transcript NM_001376.5 (MANE Select); coding-DNA position 13763, C replaced by T.
Protein change: p.Thr4588Met; replaces threonine 4588 with methionine.
Molecular consequence: missense variant.
Genome position (GRCh38, 1-based): chr14:102,050,149, C>T. VCF-style: chr14-102050149-C-T. GRCh37 (hg19) VCF-style: chr14-102516486-C-T.
Other names: short protein forms T4588M.
Identifiers: ClinVar variation 2911947 (VCV002911947.4), dbSNP rs200971499, ClinGen allele CA7354351.

ClinVar aggregate classification (germline): Conflicting classifications of pathogenicity. Review status: criteria provided, conflicting classifications (1 of 4 stars). 2 submissions from 2 submitters: Likely pathogenic (1); Likely benign (1). Last evaluated 2026-01-13.

Conditions:
Charcot-Marie-Tooth disease axonal type 2O. Also called: CHARCOT-MARIE-TOOTH NEUROPATHY, AXONAL, TYPE 2O; CHARCOT-MARIE-TOOTH DISEASE, AXONAL, AUTOSOMAL DOMINANT, TYPE 2O; Charcot-Marie-Tooth Neuropathy Type 2O; Charcot-Marie-Tooth disease, axonal, type 20. Identifiers: Orphanet 284232, MedGen C3280220, MONDO:0013644, OMIM 614228.
Charcot-Marie-Tooth disease type 5. Also called: HEREDITARY MOTOR AND SENSORY NEUROPATHY V; CHARCOT-MARIE-TOOTH DISEASE WITH PYRAMIDAL FEATURES, AUTOSOMAL DOMINANT; CHARCOT-MARIE-TOOTH NEUROPATHY WITH PYRAMIDAL FEATURES, AUTOSOMAL DOMINANT; CMT WITH PYRAMIDAL FEATURES; HMSN V; PERONEAL MUSCULAR ATROPHY WITH PYRAMIDAL FEATURES, AUTOSOMAL DOMINANT. Identifiers: Orphanet 64751, MedGen C4721916, MeSH D015419, MONDO:0010877, OMIM 600361.

Allele frequency attached by ClinVar (database versions not stated): gnomAD 0.00001; gnomAD exomes 0.00001; ExAC 0.00007; 1000 Genomes Project 30x 0.00016; 1000 Genomes Project 0.00020.
gnomAD v4.1: 24 of 1,612,726 alleles (0.0015%); highest among the groups gnomAD compares: East Asian, 0.0045%; no homozygotes.

Submissions (2):

Labcorp Genetics (formerly Invitae), Labcorp
Classification: Likely benign for Charcot-Marie-Tooth disease axonal type 2O. Last evaluated: 2026-01-13. Review status: criteria provided, single submitter. Criteria: Invitae Variant Classification Sherloc (09022015). Collection method: clinical testing. Allele origin: germline.

Department of Neurology, Mianyang Central Hospital, School of Medicine, University of Electronic Science and Technology of China
Classification: Likely pathogenic for Charcot-Marie-Tooth disease type 5. Last evaluated: 2025-10-18. Review status: criteria provided, single submitter. Criteria: ACMG Guidelines, 2015. Collection method: clinical testing. Allele origin: paternal. Inheritance: Autosomal dominant inheritance. Affected: yes.
Comment: We identified a heterozygous DYNC1H1 variant (c.13763C>T, p.Thr4588Met) that co-segregated with familial complex HSP. In silico analyses (PolyPhen-2, PROVEAN, MutationTaster, CADD) consistently predicted a deleterious effect, supporting its classification as likely pathogenic according to ACMG guidelines. Based on these findings and in accordance with the American College of Medical Genetics and Genomics (ACMG) guidelines, the variant was classified as "likely pathogenic" as it belongs to PM2 (its extremely low frequency in the gnomAD control population), PP1 (Co-segregation within the family in a Mendelian disorder), PP2（Missense variant in a gene where such variants are a common disease mechanism), PP3 (Multiple lines of computational evidence support a deleterious effect on the gene or gene product), and PP4 (Patient’s phenotype or family history is particular for a disease with a single genetic etiology)

Literature cited by the submitters: PubMed 4573829 (cited by Department of Neurology, Mianyang Central Hospital, School of Medicine, University of Electronic Science and Technology of China).